The following is an entry in ClinVar:

ClinVar aggregate classification (germline): Benign/Likely benign. Review status: criteria provided, multiple submitters, no conflicts (2 of 4 stars). 3 submissions from 3 submitters: Benign (1); Likely benign (1). 1 of the submissions does not count toward it. Last evaluated 2024-09-10.

Conditions:
KRT5-related disorder. Also called: KRT5-related condition.

Allele frequency attached by ClinVar (database versions not stated): ExAC 0.00064; gnomAD 0.00009 and 0.00030; gnomAD exomes 0.00043 and 0.00056; 1000 Genomes Project 0.00120; ESP Exome Variant Server 0.00015; TOPMed 0.00011; 1000 Genomes Project 30x 0.00094.

Submissions (3):

Labcorp Genetics (formerly Invitae), Labcorp
Classification: Benign. Last evaluated: 2024-09-10. Review status: criteria provided, single submitter. Criteria: Invitae Variant Classification Sherloc (09022015). Collection method: clinical testing. Allele origin: germline.

GeneDx
Classification: Likely benign. Last evaluated: 2019-02-28. Review status: criteria provided, single submitter. Criteria: GeneDx Variant Classification Process June 2021. Collection method: clinical testing. Allele origin: germline. Affected: yes.
Comment: See Variant Classification Assertion Criteria.

PreventionGenetics, part of Exact Sciences
Classification: Likely benign for KRT5-related condition. Last evaluated: 2024-08-20. Review status: no assertion criteria provided. Collection method: clinical testing. Allele origin: germline. Not counted in ClinVar's aggregate classification.
Comment: This variant is classified as likely benign based on ACMG/AMP sequence variant interpretation guidelines (Richards et al. 2015 PMID: 25741868, with internal and published modifications).

NM_000424.4(KRT5):c.280G>A (p.Gly94Ser)

Gene: KRT5 (keratin 5; minus strand). Cytogenetic location: 12q13.13.
Variant type: single nucleotide variant.
Coding change: c.280G>A on transcript NM_000424.4 (MANE Select); coding-DNA position 280, G replaced by A.
Protein change: p.Gly94Ser; replaces glycine 94 with serine.
Molecular consequence: missense variant.
Genome position (GRCh38, 1-based): chr12:52,520,017, C>T on the plus strand (G>A on the coding strand, the complement: KRT5 is on the minus strand). VCF-style: chr12-52520017-C-T. GRCh37 (hg19) VCF-style: chr12-52913801-C-T.
Other names: short protein forms G94S.
Identifiers: ClinVar variation 726637 (VCV000726637.8), dbSNP rs138806570, ClinGen allele CA6582877.